The following is an entry in ClinVar:

ClinVar aggregate classification (germline): Uncertain significance (1 of 4 stars; one submission).

Submission:

GeneDx
Classification: Uncertain significance. Last evaluated: 2024-05-08. Review status: criteria provided, single submitter. Criteria: GeneDx Variant Classification Process June 2021. Collection method: clinical testing. Allele origin: germline. Affected: yes.
Comment: Not observed at significant frequency in large population cohorts (gnomAD); In silico analysis indicates that this missense variant does not alter protein structure/function; Has not been previously published as pathogenic or benign to our knowledge

NM_001292063.2(OTOG):c.4741A>G (p.Met1581Val)

Gene: OTOG (otogelin; plus strand). Cytogenetic location: 11p15.1.
Variant type: single nucleotide variant.
Coding change: c.4741A>G on transcript NM_001292063.2 (MANE Select); coding-DNA position 4741, A replaced by G.
Protein change: p.Met1581Val; replaces methionine 1581 with valine.
Molecular consequence: missense variant.
Genome position (GRCh38, 1-based): chr11:17,610,041, A>G. VCF-style: chr11-17610041-A-G. GRCh37 (hg19) VCF-style: chr11-17631588-A-G.
Other names: c.4777A>G, p.Met1593Val (NM_001277269.2); short protein forms M1581V, M1593V.
Identifiers: ClinVar variation 3375895 (VCV003375895.1).